The following is an entry in ClinVar:

NM_018975.4(TERF2IP):c.164G>A (p.Arg55Gln)

Gene: TERF2IP (TERF2 interacting protein; plus strand). Cytogenetic location: 16q23.1.
Variant type: single nucleotide variant.
Coding change: c.164G>A on transcript NM_018975.4 (MANE Select); coding-DNA position 164, G replaced by A.
Protein change: p.Arg55Gln; replaces arginine 55 with glutamine.
Molecular consequence: missense variant. On other transcripts: non-coding transcript variant (1).
Genome position (GRCh38, 1-based): chr16:75,648,046, G>A. VCF-style: chr16-75648046-G-A. GRCh37 (hg19) VCF-style: chr16-75681944-G-A.
Other names: short protein forms R55Q.
Identifiers: ClinVar variation 1777227 (VCV001777227.3), dbSNP rs1411298129, ClinGen allele CA396817353.
Genomic context (GRCh38, chr16:75,648,046, plus strand): 5'-CCAGCCCGGCCAAGCGTCGGCTGTCGACGCTCATCCTGCACGGCGGCGGCACCGTGTGCC[G>A]AGTGCAGGAGCCCGGGGCCGTGCTGCTGGCCCAGCCCGGGGAGGCGCTGGCCGAGGCCTC-3'
Protein context (NP_061848.2, residues 45-65): LILHGGGTVC[Arg55Gln]VQEPGAVLLA

ClinVar aggregate classification (germline): Uncertain significance (1 of 4 stars; one submission).

Submission:

Ambry Genetics
Classification: Uncertain significance. Last evaluated: 2024-07-29. Review status: criteria provided, single submitter. Criteria: Ambry Variant Classification Scheme 2023. Collection method: clinical testing. Allele origin: germline.
Comment: The p.R55Q variant (also known as c.164G>A), located in coding exon 1 of the TERF2IP gene, results from a G to A substitution at nucleotide position 164. The arginine at codon 55 is replaced by glutamine, an amino acid with highly similar properties. This amino acid position is conserved. In addition, this alteration is predicted to be tolerated by in silico analysis. Since supporting evidence is limited at this time, the clinical significance of this alteration remains unclear.